The following is an entry in ClinVar:

ClinVar aggregate classification (germline): Uncertain significance (1 of 4 stars; one submission).

Conditions:
Hyperphosphatasia with impaired intellectual development syndrome 2. Also called: Hyperphosphatasia with intellectual disability syndrome 2; GLYCOSYLPHOSPHATIDYLINOSITOL BIOSYNTHESIS DEFECT 6. Identifiers: Orphanet 247262, MedGen C3553637, MONDO:0013882, OMIM 614749.

Allele frequency attached by ClinVar (database versions not stated): TOPMed below 0.00001; gnomAD exomes 0.00001.

Submission:

Labcorp Genetics (formerly Invitae), Labcorp
Classification: Uncertain significance for Hyperphosphatasia with impaired intellectual development syndrome 2. Last evaluated: 2021-12-29. Review status: criteria provided, single submitter. Criteria: Invitae Variant Classification Sherloc (09022015). Collection method: clinical testing. Allele origin: germline.
Comment: In summary, the available evidence is currently insufficient to determine the role of this variant in disease. Therefore, it has been classified as a Variant of Uncertain Significance. Algorithms developed to predict the effect of missense changes on protein structure and function are either unavailable or do not agree on the potential impact of this missense change (SIFT: "Tolerated"; PolyPhen-2: "Probably Damaging"; Align-GVGD: "Class C0"). This variant has not been reported in the literature in individuals affected with PIGO-related conditions. This variant is not present in population databases (gnomAD no frequency). This sequence change replaces alanine, which is neutral and non-polar, with threonine, which is neutral and polar, at codon 824 of the PIGO protein (p.Ala824Thr).

NM_032634.4(PIGO):c.2470G>A (p.Ala824Thr)

Gene: PIGO (phosphatidylinositol glycan anchor biosynthesis class O; minus strand). Cytogenetic location: 9p13.3.
Variant type: single nucleotide variant.
Coding change: c.2470G>A on transcript NM_032634.4 (MANE Select); coding-DNA position 2470, G replaced by A.
Protein change: p.Ala824Thr; replaces alanine 824 with threonine.
Molecular consequence: missense variant. On other transcripts: intron variant (2).
Genome position (GRCh38, 1-based): chr9:35,091,417, C>T on the plus strand (G>A on the coding strand, the complement: PIGO is on the minus strand). VCF-style: chr9-35091417-C-T. GRCh37 (hg19) VCF-style: chr9-35091414-C-T.
Other names: c.1345-126G>A (NM_152850.4, NM_001201484.2); short protein forms A824T.
Identifiers: ClinVar variation 1464050 (VCV001464050.6), dbSNP rs1452787176, ClinGen allele CA373319662.